The following is an entry in ClinVar:

ClinVar aggregate classification (germline): Uncertain significance (1 of 4 stars; one submission).

Allele frequency attached by ClinVar (database versions not stated): ExAC 0.00001; gnomAD 0.00001; gnomAD exomes 0.00001.
gnomAD v4.1: 5 of 1,613,610 alleles (0.00031%); highest among the groups gnomAD compares: East Asian, 0.0067%; no homozygotes.

Submission:

ARUP Laboratories, Molecular Genetics and Genomics, ARUP Laboratories
Classification: Uncertain significance. Last evaluated: 2017-09-22. Review status: criteria provided, single submitter. Criteria: ARUP Molecular Germline Variant Investigation Process. Collection method: clinical testing. Allele origin: germline.
Comment: The c.374C>T; p.Pro125Leu variant (rs756557890) has not been reported in the medical literature, nor has it been previously identified by our laboratory. This variant is listed in the Genome Aggregation Database (gnomAD) with a frequency of 0.01 percent in the East Asian population (identified on 2 out of 17,214 chromosomes). The proline at position 125 is highly conserved considering 11 species and computational analyses of the effects of the p.Pro125Leu variant on protein structure and function provide conflicting results(SIFT: tolerated, MutationTaster: disease causing, PolyPhen-2: benign). Altogether, there is not enough evidence to classify the p.Pro125Leu variant with certainty.

NM_017433.5(MYO3A):c.374C>T (p.Pro125Leu)

Gene: MYO3A (myosin IIIA; plus strand). Cytogenetic location: 10p12.1.
Variant type: single nucleotide variant.
Coding change: c.374C>T on transcript NM_017433.5 (MANE Select); coding-DNA position 374, C replaced by T.
Protein change: p.Pro125Leu; replaces proline 125 with leucine.
Molecular consequence: missense variant.
Genome position (GRCh38, 1-based): chr10:25,996,560, C>T. VCF-style: chr10-25996560-C-T. GRCh37 (hg19) VCF-style: chr10-26285489-C-T.
Other names: c.374C>T, p.Pro125Leu (NM_001368265.1); short protein forms P125L.
Identifiers: ClinVar variation 618745 (VCV000618745.9), dbSNP rs756557890, ClinGen allele CA5444280.